The following is an entry in ClinVar:

ClinVar aggregate classification (germline): Uncertain significance (1 of 4 stars; one submission).

Conditions:
Inflammatory bowel disease 25. Also called: Inflammatory bowel disease 25, early onset, autosomal recessive. Identifiers: Orphanet 238569, MedGen C2675508, MONDO:0012941, OMIM 612567.

Allele frequency attached by ClinVar (database versions not stated): gnomAD exomes below 0.00001; ExAC 0.00001; gnomAD 0.00001; TOPMed 0.00002.
gnomAD v4.1: 7 of 1,613,638 alleles (0.00043%); highest among the groups gnomAD compares: Non-Finnish European, 0.00059%; no homozygotes.

Submission:

Labcorp Genetics (formerly Invitae), Labcorp
Classification: Uncertain significance for Inflammatory bowel disease 25. Last evaluated: 2022-09-13. Review status: criteria provided, single submitter. Criteria: Invitae Variant Classification Sherloc (09022015). Collection method: clinical testing. Allele origin: germline.
Comment: This variant has not been reported in the literature in individuals affected with IL10RB-related conditions. This sequence change affects codon 268 of the IL10RB mRNA. It is a 'silent' change, meaning that it does not change the encoded amino acid sequence of the IL10RB protein. This variant also falls at the last nucleotide of exon 6, which is part of the consensus splice site for this exon. This variant is present in population databases (rs767451280, gnomAD 0.0009%). ClinVar contains an entry for this variant (Variation ID: 1005386). Variants that disrupt the consensus splice site are a relatively common cause of aberrant splicing (PMID: 17576681, 9536098). Algorithms developed to predict the effect of sequence changes on RNA splicing suggest that this variant may disrupt the consensus splice site. In summary, the available evidence is currently insufficient to determine the role of this variant in disease. Therefore, it has been classified as a Variant of Uncertain Significance.

Literature cited by the submitters: PubMed 17576681; PubMed 9536098.

NM_000628.5(IL10RB):c.804G>A (p.Glu268=)

Genes: IFNAR2-IL10RB (IFNAR2-IL10RB readthrough; plus strand), IL10RB (interleukin 10 receptor subunit beta; plus strand). Cytogenetic location: 21q22.11.
Variant type: single nucleotide variant.
Coding change: c.804G>A on transcript NM_000628.5 (MANE Select); coding-DNA position 804, G replaced by A.
Protein change: p.Glu268=; no amino-acid change (glutamic acid 268 retained).
Molecular consequence: synonymous variant.
Genome position (GRCh38, 1-based): chr21:33,288,261, G>A. VCF-style: chr21-33288261-G-A. GRCh37 (hg19) VCF-style: chr21-34660566-G-A.
Identifiers: ClinVar variation 1005386 (VCV001005386.8), dbSNP rs767451280, ClinGen allele CA10006239.
Genomic context (GRCh38, chr21:33,288,261, plus strand): 5'-TTACAAGAAGACAAAGTACGCCTTCTCCCCTAGGAATTCTCTTCCACAGCACCTGAAAGA[G>A]GTAGGTAGGATGGAGTGAGATGTGGATTTGAAAACCTTGATCGGAAAGAGCTTTCCTTTC-3'
Protein context (NP_000619.3, residues 258-278): PRNSLPQHLK[Glu268=]FLGHPHHNTL